The following is an entry in ClinVar:

NM_024675.4(PALB2):c.2978C>T (p.Thr993Met)

Gene: PALB2 (partner and localizer of BRCA2; minus strand). Cytogenetic location: 16p12.2.
Variant type: single nucleotide variant.
Coding change: c.2978C>T on transcript NM_024675.4 (MANE Select); coding-DNA position 2978, C replaced by T.
Protein change: p.Thr993Met; replaces threonine 993 with methionine.
Molecular consequence: missense variant.
Genome position (GRCh38, 1-based): chr16:23,622,987, G>A on the plus strand (C>T on the coding strand, the complement: PALB2 is on the minus strand). VCF-style: chr16-23622987-G-A. GRCh37 (hg19) VCF-style: chr16-23634308-G-A.
Other names: short protein forms T993M.
Identifiers: ClinVar variation 232056 (VCV000232056.79), dbSNP rs61756146, ClinGen allele CA7963457.

ClinVar aggregate classification (germline): Conflicting classifications of pathogenicity. Review status: criteria provided, conflicting classifications (1 of 4 stars). 13 submissions from 13 submitters: Uncertain significance (11); Likely benign (2). Last evaluated 2026-06-17.

Conditions:
Pancreatic cancer, susceptibility to, 3. Identifiers: Orphanet 1333, MedGen C3150547, MONDO:0013236, OMIM 613348.
Breast-ovarian cancer, familial, susceptibility to, 5 (BROVCA5). Identifiers: MedGen C5830615, MONDO:0957530, OMIM 620442.
Fanconi anemia complementation group N. Also called: PALB2-Related Fanconi Anemia. Identifiers: Orphanet 84, MedGen C1835817, MONDO:0012565, OMIM 610832. Disease mechanism: loss of function.
PALB2-related disorder. Also called: PALB2-related condition; PALB2-related disorders.
Hereditary cancer-predisposing syndrome. Also called: Neoplastic Syndromes, Hereditary; Hereditary Cancer Syndrome; Tumor predisposition; Hereditary neoplastic syndrome. Identifiers: Orphanet 140162, MedGen C0027672, MeSH D009386, MONDO:0015356.
Familial cancer of breast. Also called: Hereditary breast cancer; hereditary breast carcinoma; BREAST CANCER, FAMILIAL. Identifiers: Orphanet 227535, MedGen C0346153, MONDO:0016419, OMIM 114480. Disease mechanism: loss of function.

Allele frequency attached by ClinVar (database versions not stated): gnomAD exomes 0.00001 and 0.00002; TOPMed 0.00001; ExAC 0.00002.

Submissions (13):

PreventionGenetics, part of Exact Sciences
Classification: Uncertain significance for PALB2-related condition. Last evaluated: 2026-06-17. Review status: criteria provided, single submitter. Criteria: ACMG Guidelines, 2015. Collection method: clinical testing. Allele origin: germline.
Comment: The PALB2 c.2978C>T variant is predicted to result in the amino acid substitution p.Thr993Met. This variant has been reported in an individual with a cervical embryonal rhabdomyosarcoma and an ovarian Sertoli-Leydig cell tumor (Cowan et al. 2018. PubMed ID: 30014022). This variant is reported in 0.0062% of alleles in individuals of African descent in gnomAD and and has conflicting interpretations in ClinVar ranging from likely benign to uncertain (Variation ID: 232056). At this time, the clinical significance of this variant is uncertain due to the absence of conclusive functional and genetic evidence.

Color Diagnostics, LLC DBA Color Health
Classification: Uncertain significance for Hereditary cancer-predisposing syndrome. Last evaluated: 2025-06-10. Review status: criteria provided, single submitter. Criteria: ACMG Guidelines, 2015. Collection method: clinical testing. Allele origin: germline.
Comment: This missense variant replaces threonine with methionine at codon 993 of the PALB2 protein. Computational prediction suggests that this variant may not impact protein structure and function. To our knowledge, functional studies have not been reported for this variant. This variant has been detected in a breast cancer case-control meta-analysis in 5/60466 cases and 1/53461 unaffected individuals (PMID: 33471991Leiden Open Variation Database DB-ID PALB2_010807). This variant also has been reported in a breast cancer case-control study in 4/7840 cases and 1/7928 unaffected control individuals (PMID: 33811135). This variant has been identified in 5/251460 chromosomes in the general population by the Genome Aggregation Database (gnomAD). The available evidence is insufficient to determine the role of this variant in disease conclusively. Therefore, this variant is classified as a Variant of Uncertain Significance.

Ambry Genetics
Classification: Likely benign for Hereditary cancer-predisposing syndrome. Last evaluated: 2025-05-17. Review status: criteria provided, single submitter. Criteria: Ambry Variant Classification Scheme 2023. Collection method: clinical testing. Allele origin: germline.

Center for Genomic Medicine, Rigshospitalet, Copenhagen University Hospital
Classification: Uncertain significance. Last evaluated: 2025-03-04. Review status: criteria provided, single submitter. Criteria: ACMG Guidelines, 2015. Collection method: clinical testing. Allele origin: germline.

Labcorp Genetics (formerly Invitae), Labcorp
Classification: Uncertain significance for Familial cancer of breast. Last evaluated: 2025-01-22. Review status: criteria provided, single submitter. Criteria: Invitae Variant Classification Sherloc (09022015). Collection method: clinical testing. Allele origin: germline.
Comment: This sequence change replaces threonine, which is neutral and polar, with methionine, which is neutral and non-polar, at codon 993 of the PALB2 protein (p.Thr993Met). This variant is present in population databases (rs61756146, gnomAD 0.007%). This missense change has been observed in individual(s) with breast cancer (PMID: 33811135). ClinVar contains an entry for this variant (Variation ID: 232056). Invitae Evidence Modeling of protein sequence and biophysical properties (such as structural, functional, and spatial information, amino acid conservation, physicochemical variation, residue mobility, and thermodynamic stability) indicates that this missense variant is not expected to disrupt PALB2 protein function with a negative predictive value of 80%. In summary, the available evidence is currently insufficient to determine the role of this variant in disease. Therefore, it has been classified as a Variant of Uncertain Significance.

Molecular Diagnostics Laboratory, Catalan Institute of Oncology
Classification: Uncertain significance for Hereditary cancer-predisposing syndrome. Last evaluated: 2024-10-23. Review status: criteria provided, single submitter. Criteria: ClinGen ACMG Specifications PALB2 V1.0.0. Collection method: clinical testing. Allele origin: germline.
Comment: BP1 c.2978C>T, located in exon 9 of the PALB2 gene, is predicted to result in the substitution of threonine by methionine at codon 993, p.(Thr993Met). The SpliceAI algorithm predicts no significant impact on splicing and there is a very low likelihood that missense variants are pathogenic in PALB2 (BP1). This variant is found in 4/268320 alleles at a frequency of 0.0015% in the gnomAD v2.1.1 database, non-cancer dataset. To our knowledge, neither relevant clinical data nor well-stablished functional studies have been reported for this variant. It has been reported in the ClinVar database (1x likely benign, 9x uncertain significance) and in the LOVD database (1x likely benign, 2x NA). Based on the currently available information, c.2978C>T is classified as an uncertain significance variant according to ClinGen-PALB2 Guidelines version v1.0.0.

Baylor Genetics
Classification: Uncertain significance for Familial cancer of breast. Last evaluated: 2023-09-01. Review status: criteria provided, single submitter. Criteria: ACMG Guidelines, 2015. Collection method: clinical testing. Allele origin: unknown.

Myriad Genetics, Inc.
Classification: Likely benign for Familial cancer of breast. Last evaluated: 2023-08-18. Review status: criteria provided, single submitter. Criteria: Myriad Autosomal Dominant, Autosomal Recessive and X-Linked Classification Criteria (2023). Collection method: clinical testing. Allele origin: unknown.
Comment: This variant is considered likely benign. This variant is strongly associated with less severe personal and family histories of cancer, typical for individuals without pathogenic variants in this gene [PMID: 25085752].

Quest Diagnostics Nichols Institute San Juan Capistrano
Classification: Uncertain significance. Last evaluated: 2022-10-21. Review status: criteria provided, single submitter. Criteria: Quest Diagnostics criteria. Collection method: clinical testing. Allele origin: unknown.
Comment: The frequency of this variant in the general population, 0.00002 (5/251460 chromosomes), is uninformative in assessment of its pathogenicity. This variant has reported in individuals with breast cancer (PMID: 33811135 (2022), 33471991 (2021)) as well as in unaffected healthy individuals ((PMID: 33811135 (2022), 33471991 (2021)). Analysis of this variant using bioinformatics tools for the prediction of the effect of amino acid changes on protein structure and function yielded conflicting predictions that this variant is benign or damaging. Based on the available information, we are unable to determine the clinical significance of this variant.

Fulgent Genetics
Classification: Uncertain significance for Familial cancer of breast; Fanconi anemia complementation group N; Pancreatic cancer, susceptibility to, 3. Last evaluated: 2022-05-23. Review status: criteria provided, single submitter. Criteria: ACMG Guidelines, 2015. Collection method: clinical testing. Allele origin: unknown.

GeneDx
Classification: Uncertain significance. Last evaluated: 2022-04-07. Review status: criteria provided, single submitter. Criteria: GeneDx Variant Classification Process June 2021. Collection method: clinical testing. Allele origin: germline. Affected: yes.
Comment: Not observed at significant frequency in large population cohorts (gnomAD); In silico analysis, which includes protein predictors and evolutionary conservation, supports a deleterious effect; Published functional studies demonstrate a slight decrease in homologous recombination efficiency (Ng 2021); Observed in individuals with breast cancer or cervical rhabdomyosarcoma (Cowan 2018, Ng 2021); This variant is associated with the following publications: (PMID: 24485656, 19609323, 20871615, 33811135, 30014022)

Department of Pathology and Laboratory Medicine, Sinai Health System
Classification: Uncertain significance for Fanconi anemia complementation group N; Pancreatic cancer, susceptibility to, 3; Breast-ovarian cancer, familial, susceptibility to, 5. Last evaluated: 2020-11-06. Review status: criteria provided, single submitter. Criteria: ACMG Guidelines, 2015. Collection method: clinical testing. Allele origin: germline. Affected: no.

CeGaT Center for Human Genetics Tuebingen
Classification: Uncertain significance. Last evaluated: 2017-02-01. Review status: criteria provided, single submitter. Criteria: CeGaT Center For Human Genetics Tuebingen Variant Classification Criteria Version 2. Collection method: clinical testing. Allele origin: germline. Affected: yes. Observed: 1 variant allele.

Literature cited by the submitters: PubMed 33471991 (cited by 3 submitters); PubMed 33811135 (cited by 5 submitters); PubMed 28779002 (cited by Ambry Genetics); PubMed 30014022 (cited by Ambry Genetics); PubMed 31206626 (cited by Ambry Genetics); PubMed 25085752 (cited by Myriad Genetics, Inc.).